The following is an entry in ClinVar:

NM_020461.4(TUBGCP6):c.2875C>T (p.Pro959Ser)

Gene: TUBGCP6 (tubulin gamma complex component 6; minus strand). Cytogenetic location: 22q13.33.
Variant type: single nucleotide variant.
Coding change: c.2875C>T on transcript NM_020461.4 (MANE Select); coding-DNA position 2875, C replaced by T.
Protein change: p.Pro959Ser; replaces proline 959 with serine.
Molecular consequence: missense variant.
Genome position (GRCh38, 1-based): chr22:50,221,484, G>A on the plus strand (C>T on the coding strand, the complement: TUBGCP6 is on the minus strand). VCF-style: chr22-50221484-G-A. GRCh37 (hg19) VCF-style: chr22-50659913-G-A.
Other names: short protein forms P959S.
Identifiers: ClinVar variation 1043118 (VCV001043118.8), dbSNP rs745981463, ClinGen allele CA412186206.

ClinVar aggregate classification (germline): Uncertain significance (1 of 4 stars; one submission).

Submission:

Labcorp Genetics (formerly Invitae), Labcorp
Classification: Uncertain significance. Last evaluated: 2021-04-08. Review status: criteria provided, single submitter. Criteria: Invitae Variant Classification Sherloc (09022015). Collection method: clinical testing. Allele origin: germline.
Comment: This sequence change replaces proline with serine at codon 959 of the TUBGCP6 protein (p.Pro959Ser). The proline residue is weakly conserved and there is a moderate physicochemical difference between proline and serine. This variant is not present in population databases (ExAC no frequency). This variant has not been reported in the literature in individuals with TUBGCP6-related conditions. Algorithms developed to predict the effect of missense changes on protein structure and function are either unavailable or do not agree on the potential impact of this missense change (SIFT: "Tolerated"; PolyPhen-2: "Possibly Damaging"; Align-GVGD: "Class C0"). Algorithms developed to predict the effect of sequence changes on RNA splicing suggest that this variant may create or strengthen a splice site, but this prediction has not been confirmed by published transcriptional studies. In summary, the available evidence is currently insufficient to determine the role of this variant in disease. Therefore, it has been classified as a Variant of Uncertain Significance.